The following is an entry in ClinVar:

ClinVar aggregate classification (germline): Pathogenic (1 of 4 stars; one submission).

Conditions:
Allan-Herndon-Dudley syndrome (AHDS). Also called: MENTAL RETARDATION AND MUSCULAR ATROPHY; T3 RESISTANCE; TRIIODOTHYRONINE RESISTANCE; Passos-Bueno syndrome; ALLAN-HERNDON SYNDROME. Identifiers: Orphanet 59, MedGen C0795889, MONDO:0010354, OMIM 300523.

Submission:

Variantyx, Inc.
Classification: Pathogenic for Allan-Herndon-Dudley syndrome. Last evaluated: 2025-09-10. Review status: criteria provided, single submitter. Criteria: Variantyx Assertion Criteria 2022. Collection method: clinical testing. Allele origin: maternal. Inheritance: X-linked inheritance.
Comment: This is a canonical splicing variant in the SLC16A2 gene (OMIM: 300095). Pathogenic variants in this gene have been associated with X-linked Allan-Herndon-Dudley syndrome. This splicing variant is expected to result in loss of function, which is a known disease mechanism for SLC16A2 in this disorder (PMID: 37925810) (PVS1). This variant is absent from control populations (PM2). Based on the current evidence, this variant is classified as pathogenic for X-linked Allan-Herndon-Dudley syndrome.

Literature cited by the submitters: PubMed 37925810.

NM_006517.5(SLC16A2):c.1170+1G>A

Gene: SLC16A2 (solute carrier family 16 member 2; plus strand). Cytogenetic location: Xq13.2.
Variant type: single nucleotide variant.
Coding change: c.1170+1G>A on transcript NM_006517.5 (MANE Select); the canonical splice donor site of the intron after coding-DNA position 1170, G replaced by A.
Molecular consequence: splice donor variant.
Genome position (GRCh38, 1-based): chrX:74,525,894, G>A. VCF-style: chrX-74525894-G-A. GRCh37 (hg19) VCF-style: chrX-73745729-G-A.
Identifiers: ClinVar variation 4795927 (VCV004795927.1).